The following is an entry in ClinVar:

NM_004958.4(MTOR):c.737A>T (p.Asp246Val)

Gene: MTOR (mechanistic target of rapamycin kinase; minus strand). Cytogenetic location: 1p36.22.
Variant type: single nucleotide variant.
Coding change: c.737A>T on transcript NM_004958.4 (MANE Select); coding-DNA position 737, A replaced by T.
Protein change: p.Asp246Val; replaces aspartic acid 246 with valine.
Molecular consequence: missense variant. On other transcripts: 5 prime UTR variant (1).
Genome position (GRCh38, 1-based): chr1:11,253,942, T>A on the plus strand (A>T on the coding strand, the complement: MTOR is on the minus strand). VCF-style: chr1-11253942-T-A. GRCh37 (hg19) VCF-style: chr1-11313999-T-A.
Other names: c.737A>T, p.Asp246Val (NM_001386500.1); c.-403A>T (NM_001386501.1); short protein forms D246V.
Identifiers: ClinVar variation 4767698 (VCV004767698.1).

ClinVar aggregate classification (germline): Uncertain significance (1 of 4 stars; one submission).

Submission:

Labcorp Genetics (formerly Invitae), Labcorp
Classification: Uncertain significance. Last evaluated: 2025-07-14. Review status: criteria provided, single submitter. Criteria: Invitae Variant Classification Sherloc (09022015). Collection method: clinical testing. Allele origin: germline.
Comment: This sequence change replaces aspartic acid, which is acidic and polar, with valine, which is neutral and non-polar, at codon 246 of the MTOR protein (p.Asp246Val). This variant is not present in population databases (gnomAD no frequency). This variant has not been reported in the literature in individuals affected with MTOR-related conditions. Invitae Evidence Modeling of protein sequence and biophysical properties (such as structural, functional, and spatial information, amino acid conservation, physicochemical variation, residue mobility, and thermodynamic stability) indicates that this missense variant is not expected to disrupt MTOR protein function with a negative predictive value of 95%. In summary, the available evidence is currently insufficient to determine the role of this variant in disease. Therefore, it has been classified as a Variant of Uncertain Significance.